The following is an entry in ClinVar:

NM_001110556.2(FLNA):c.4026C>A (p.Ser1342Arg)

Gene: FLNA (filamin A; minus strand). Cytogenetic location: Xq28.
Variant type: single nucleotide variant.
Coding change: c.4026C>A on transcript NM_001110556.2 (MANE Select); coding-DNA position 4026, C replaced by A.
Protein change: p.Ser1342Arg; replaces serine 1342 with arginine.
Molecular consequence: missense variant.
Genome position (GRCh38, 1-based): chrX:154,359,600, G>T on the plus strand (C>A on the coding strand, the complement: FLNA is on the minus strand). VCF-style: chrX-154359600-G-T. GRCh37 (hg19) VCF-style: chrX-153587968-G-T.
Other names: c.4026C>A, p.Ser1342Arg (NM_001456.4); short protein forms S1342R.
Identifiers: ClinVar variation 2132202 (VCV002132202.4), dbSNP rs2522738963, ClinGen allele CA415220457.

ClinVar aggregate classification (germline): Uncertain significance (1 of 4 stars; one submission).

Conditions:
Oto-palato-digital syndrome, type II (OPD2). Also called: Otopalatodigital Syndrome Type 2 (FLNA-OPD2); Otopalatodigital Syndrome, Type II; FACIOPALATOOSSEOUS SYNDROME; OPD II SYNDROME. Identifiers: Orphanet 669, Orphanet 90652, MedGen C1844696, MONDO:0010571, OMIM 304120.
Frontometaphyseal dysplasia (FMD1). Identifiers: Orphanet 1826, MedGen C0265293, MONDO:0015942.
Melnick-Needles syndrome (MNS). Also called: Melnick-Needles Syndrome (FLNA-MNS); MELNICK-NEEDLES OSTEODYSPLASTY; OSTEODYSPLASTY OF MELNICK AND NEEDLES. Identifiers: Orphanet 2484, MedGen C0025237, MONDO:0010650, OMIM 309350.
Heterotopia, periventricular, X-linked dominant (PVNH1). Also called: PERIVENTRICULAR NODULAR HETEROTOPIA 4; HETEROTOPIA, PERIVENTRICULAR, 1; X-linked periventricular heterotopia; PERIVENTRICULAR NODULAR HETEROTOPIA 1. Identifiers: Orphanet 2149, Orphanet 82004, MedGen C1848213, MONDO:0010233, OMIM 300049.

gnomAD v4.1: 1 of 1,211,075 alleles (0.000083%); highest among the groups gnomAD compares: Non-Finnish European, 0.00011%; no homozygotes.

Submission:

Labcorp Genetics (formerly Invitae), Labcorp
Classification: Uncertain significance for Oto-palato-digital syndrome, type II; Heterotopia, periventricular, X-linked dominant; Frontometaphyseal dysplasia; Melnick-Needles syndrome. Last evaluated: 2022-04-30. Review status: criteria provided, single submitter. Criteria: Invitae Variant Classification Sherloc (09022015). Collection method: clinical testing. Allele origin: germline.
Comment: This sequence change replaces serine, which is neutral and polar, with arginine, which is basic and polar, at codon 1342 of the FLNA protein (p.Ser1342Arg). In summary, the available evidence is currently insufficient to determine the role of this variant in disease. Therefore, it has been classified as a Variant of Uncertain Significance. Advanced modeling of protein sequence and biophysical properties (such as structural, functional, and spatial information, amino acid conservation, physicochemical variation, residue mobility, and thermodynamic stability) performed at Invitae indicates that this missense variant is not expected to disrupt FLNA protein function. This variant has not been reported in the literature in individuals affected with FLNA-related conditions. This variant is not present in population databases (gnomAD no frequency).